The following is an entry in ClinVar:

NM_014423.4(AFF4):c.1534G>A (p.Gly512Arg)

Gene: AFF4 (ALF transcription elongation factor 4; minus strand). Cytogenetic location: 5q31.1.
Variant type: single nucleotide variant.
Coding change: c.1534G>A on transcript NM_014423.4 (MANE Select); coding-DNA position 1534, G replaced by A.
Protein change: p.Gly512Arg; replaces glycine 512 with arginine.
Molecular consequence: missense variant.
Genome position (GRCh38, 1-based): chr5:132,897,096, C>T on the plus strand (G>A on the coding strand, the complement: AFF4 is on the minus strand). VCF-style: chr5-132897096-C-T. GRCh37 (hg19) VCF-style: chr5-132232788-C-T.
Other names: short protein forms G512R.
Identifiers: ClinVar variation 3906723 (VCV003906723.1).
Genomic context (GRCh38, chr5:132,897,096, plus strand): 5'-CTCGTCCCGGAGTAGCGGAACTCGTTTCTTTAGGTCCACTTGTATCAGTGTAGCTATTCC[C>T]AGTGCCCTGCTCTCGGCCTTCCTTTTTGTAGCCTTGAGATGATGGGATGTTACTGTCCAC-3'
Protein context (NP_055238.1, residues 502-522): YKKEGREQGT[Gly512Arg]NSYTDTSGPK

ClinVar aggregate classification (germline): Uncertain significance (1 of 4 stars; one submission).

gnomAD v4.1: 1 of 1,614,154 alleles (0.000062%); highest among the groups gnomAD compares: Non-Finnish European, 0.000085%; no homozygotes.

Submission:

GeneDx
Classification: Uncertain significance. Last evaluated: 2024-12-14. Review status: criteria provided, single submitter. Criteria: GeneDx Variant Classification Process June 2021. Collection method: clinical testing. Allele origin: germline. Affected: yes.
Comment: Not observed at significant frequency in large population cohorts (gnomAD); In silico analysis indicates that this missense variant does not alter protein structure/function; Has not been previously published as pathogenic or benign to our knowledge